The following is an entry in ClinVar:

NM_007294.4(BRCA1):c.242A>C (p.Gln81Pro)

Gene: BRCA1 (BRCA1 DNA repair associated; minus strand). Cytogenetic location: 17q21.31.
Variant type: single nucleotide variant.
Coding change: c.242A>C on transcript NM_007294.4 (MANE Select); coding-DNA position 242, A replaced by C.
Protein change: p.Gln81Pro; replaces glutamine 81 with proline.
Molecular consequence: missense variant. On other transcripts: non-coding transcript variant (1).
Genome position (GRCh38, 1-based): chr17:43,104,927, T>G on the plus strand (A>C on the coding strand, the complement: BRCA1 is on the minus strand). VCF-style: chr17-43104927-T-G. GRCh37 (hg19) VCF-style: chr17-41256944-T-G.
Other names: c.32A>C, p.Gln11Pro (NM_001407571.1, NM_001407853.1, NM_001407879.1 and 58 more transcripts); c.242A>C, p.Gln81Pro (NM_001407581.1, NM_001407582.1, NM_001407583.1 and 168 more transcripts); c.164A>C, p.Gln55Pro (NM_001407653.1, NM_001407654.1, NM_001407655.1 and 21 more transcripts); c.101A>C, p.Gln34Pro (NM_001407692.1, NM_001407694.1, NM_001407695.1 and 99 more transcripts); c.-140A>C (NM_001407959.1, NM_001407960.1, NM_001407962.1 and 4 more transcripts); c.110A>C, p.Gln37Pro (NM_001408451.1); short protein forms Q34P, Q81P, Q55P, Q11P, Q37P.
Identifiers: ClinVar variation 865599 (VCV000865599.3), dbSNP rs886040862, ClinGen allele CA10601673.

Conditions:
Breast-ovarian cancer, familial, susceptibility to, 1 (BROVCA1). Also called: BRCA1 Hereditary Breast and Ovarian Cancer; OVARIAN CANCER, SUSCEPTIBILITY TO. Identifiers: Orphanet 145, MedGen C2676676, MONDO:0011450, OMIM 604370. Disease mechanism: loss of function.

Submission:

Brotman Baty Institute, University of Washington
No classification provided (evidence only). Condition: Breast-ovarian cancer, familial 1. Review status: no classification provided. Collection method: in vitro. Allele origin: not applicable. Functional consequence: functionally_normal.
ClinVar note: "not provided" was previously submitted as the classification for the variant. However, the classification appeared to be based only on an observation of functional data so it was converted to no classification on 2025-07-30.